The following is an entry in ClinVar:

NM_014915.3(ANKRD26):c.2288T>C (p.Leu763Pro)

Gene: ANKRD26 (ankyrin repeat domain 26; minus strand). Cytogenetic location: 10p12.1.
Variant type: single nucleotide variant.
Coding change: c.2288T>C on transcript NM_014915.3 (MANE Select); coding-DNA position 2288, T replaced by C.
Protein change: p.Leu763Pro; replaces leucine 763 with proline.
Molecular consequence: missense variant.
Genome position (GRCh38, 1-based): chr10:27,040,052, A>G on the plus strand (T>C on the coding strand, the complement: ANKRD26 is on the minus strand). VCF-style: chr10-27040052-A-G. GRCh37 (hg19) VCF-style: chr10-27328981-A-G.
Other names: c.2285T>C, p.Leu762Pro (NM_001256053.2); short protein forms L762P, L763P.
Identifiers: ClinVar variation 4859028 (VCV004859028.1).
Genomic context (GRCh38, chr10:27,040,052, plus strand): 5'-TCAACTTTTTGATGCTCTAACTGTGATTTTATTTCTTTTGTTTCAGATAGCTCCCTTTGT[A>G]GTACATTAACCTTGTCTTCCATTTTTTTAATTTTTACTGTAAGTAGTTCACAGTGATTTT-3'
Protein context (NP_055730.2, residues 753-773): IKKMEDKVNV[Leu763Pro]QRELSETKEI

ClinVar aggregate classification (germline): Uncertain significance (1 of 4 stars; one submission).

Conditions:
Inborn genetic diseases. Identifiers: MedGen C0950123, MeSH D030342.

gnomAD v4.1: 1 of 1,613,652 alleles (0.000062%); no homozygotes.

Submission:

Ambry Genetics
Classification: Uncertain significance for Inborn genetic diseases. Last evaluated: 2026-03-16. Review status: criteria provided, single submitter. Criteria: Ambry Variant Classification Scheme 2023. Collection method: clinical testing. Allele origin: germline.
Comment: The p.L763P variant (also known as c.2288T>C), located in coding exon 21 of the ANKRD26 gene, results from a T to C substitution at nucleotide position 2288. The leucine at codon 763 is replaced by proline, an amino acid with similar properties. This amino acid position is conserved. In addition, this alteration is predicted to be tolerated by in silico analysis. Based on the available evidence, the clinical significance of this variant remains unclear.